The following is an entry in ClinVar:

NM_152393.4(KLHL40):c.1281_1294del (p.Cys428fs)

Gene: KLHL40 (kelch like family member 40; plus strand). Cytogenetic location: 3p22.1.
Variant type: Deletion.
Coding change: c.1281_1294del on transcript NM_152393.4 (MANE Select); coding-DNA positions 1281 to 1294, 14 bases deleted (CTGCCTGGACTCGG).
Protein change: p.Cys428fs; shifts the reading frame from cysteine 428.
Molecular consequence: frameshift variant.
Genome position (GRCh38, 1-based): chr3:42,688,270-42,688,283, CTGCCTGGACTCGG deleted; deleting any 14 consecutive bases within chr3:42,688,269-42,688,283 gives the same sequence; the c. name uses the placement nearest the transcript's 3' end. VCF-style (leftmost placement, unchanged base first): chr3-42688268-CGCTGCCTGGACTCG-C. GRCh37 (hg19) VCF-style: chr3-42729760-CGCTGCCTGGACTCG-C.
Other names: short protein forms C428fs.
Identifiers: ClinVar variation 1320051 (VCV001320051.1), dbSNP rs770267750, ClinGen allele CA2336878.

ClinVar aggregate classification (germline): Pathogenic (1 of 4 stars; one submission).

Conditions:
Nemaline myopathy 8 (NEM8). Also called: Nemaline myopathy 8, autosomal recessive. Identifiers: Orphanet 171430, MedGen C3809209, MONDO:0014138, OMIM 615348.

Submission:

3billion
Classification: Pathogenic for Nemaline myopathy 8. Last evaluated: 2021-10-02. Review status: criteria provided, single submitter. Criteria: ACMG Guidelines, 2015. Collection method: clinical testing. Allele origin: paternal. Affected: yes. Observed: 1 heterozygote.
Comment: Frameshift: predicted to result in a loss or disruption of normal protein function through nonsense-mediated decay (NMD) or protein truncation. Multiple pathogenic variants are reported downstream of the variant (PVS1_VS). It is observed at an extremely low frequency in the gnomAD v2.1.1 dataset (total allele frequency: 0.00000398, PM2). Patient's phenotype is considered compatible with Nemaline myopathy 8, autosomal recessive (3billion dataset, PP4). Therefore, this variant is classified as pathogenic according to the recommendation of ACMG/AMP guideline.